The following is an entry in ClinVar:

NM_032383.5(HPS3):c.119dup (p.Val41fs)

Gene: HPS3 (HPS3 biogenesis of lysosomal organelles complex 2 subunit 1; plus strand). Cytogenetic location: 3q24.
Variant type: Duplication.
Coding change: c.119dup on transcript NM_032383.5 (MANE Select); coding-DNA position 119, one base duplicated (A; older notation c.119dupA).
Protein change: p.Val41fs; shifts the reading frame from valine 41.
Molecular consequence: frameshift variant.
Genome position (GRCh38, 1-based): chr3:149,129,842, A duplicated; the last of 2 consecutive A bases (chr3:149,129,841-149,129,842); duplicating either gives the same sequence. VCF-style (leftmost placement, unchanged base first): chr3-149129840-C-CA. GRCh37 (hg19) VCF-style: chr3-148847627-C-CA.
Other names: c.119dup, p.Val41fs (NM_001308258.2); short protein forms V41fs.
Identifiers: ClinVar variation 1971545 (VCV001971545.5), dbSNP rs2473045218, ClinGen allele CA2580068918.
Genomic context (GRCh38, chr3:149,129,840, plus strand): 5'-GCTGGAGCCGGACCGGTTCTGTGGCGGGGGGCGTGACGCGCTTTTCGTGGCGGCGGGCTG[C>CA]AAGGTGGAGGCGTTCGCGGTGGCCGGCCAGGAGCTGTGCCAGCCGCGGTGCGCCTTCTCC-3'

ClinVar aggregate classification (germline): Pathogenic (1 of 4 stars; one submission).

Submission:

Labcorp Genetics (formerly Invitae), Labcorp
Classification: Pathogenic. Last evaluated: 2022-04-10. Review status: criteria provided, single submitter. Criteria: Invitae Variant Classification Sherloc (09022015). Collection method: clinical testing. Allele origin: germline.
Comment: This variant is not present in population databases (gnomAD no frequency). For these reasons, this variant has been classified as Pathogenic. This variant has not been reported in the literature in individuals affected with HPS3-related conditions. This sequence change creates a premature translational stop signal (p.Val41Glyfs*40) in the HPS3 gene. It is expected to result in an absent or disrupted protein product. Loss-of-function variants in HPS3 are known to be pathogenic (PMID: 11590544).

Literature cited by the submitters: PubMed 11590544.